The following is an entry in ClinVar:

ClinVar aggregate classification (germline): Likely pathogenic (1 of 4 stars; one submission).

Conditions:
Diabetes insipidus, nephrogenic, autosomal (NDI2). Also called: Nephrogenic Diabetes Insipidus, Type II; Diabetes insipidus, nephrogenic, 2, autosomal. Identifiers: Orphanet 223, MedGen C1563706, MONDO:0007451, OMIM 125800.

Submission:

Department of Molecular Genetics, Istishari Arab Hospital
Classification: Likely pathogenic for Diabetes insipidus, nephrogenic, autosomal. Last evaluated: 2026-09-28. Review status: criteria provided, single submitter. Criteria: ACMG Guidelines, 2015. Collection method: clinical testing. Allele origin: germline. Inheritance: Autosomal recessive inheritance. Affected: yes.
Comment: The AQP2 variant c.298G>T, p.Gly100Ter creates a premature stop codon in exon no. 1 (of 4). The variant is not observed in the gnomAD v4.1.0 dataset, and to the best of our knowledge, it was not previously reported in the literature. It is classified as likely pathogenic according to the recommendations of ACMG/AMP/ClinGen SVI guidelines.

NM_000486.6(AQP2):c.298G>T (p.Gly100Ter)

Gene: AQP2 (aquaporin 2; plus strand). Cytogenetic location: 12q13.12.
Variant type: single nucleotide variant.
Coding change: c.298G>T on transcript NM_000486.6 (MANE Select); coding-DNA position 298, G replaced by T.
Protein change: p.Gly100Ter; replaces glycine 100 with a stop codon.
Molecular consequence: nonsense.
Genome position (GRCh38, 1-based): chr12:49,951,128, G>T. VCF-style: chr12-49951128-G-T. GRCh37 (hg19) VCF-style: chr12-50344911-G-T.
Other names: p.Gly100Ter; short protein forms G100*.
Identifiers: ClinVar variation 5010261 (VCV005010261.1).